The following is an entry in ClinVar:

NM_001100.4(ACTA1):c.592C>T (p.Arg198Cys)

Gene: ACTA1 (actin alpha 1, skeletal muscle; minus strand). Cytogenetic location: 1q42.13.
Variant type: single nucleotide variant.
Coding change: c.592C>T on transcript NM_001100.4 (MANE Select); coding-DNA position 592, C replaced by T.
Protein change: p.Arg198Cys; replaces arginine 198 with cysteine.
Molecular consequence: missense variant.
Genome position (GRCh38, 1-based): chr1:229,432,294, G>A on the plus strand (C>T on the coding strand, the complement: ACTA1 is on the minus strand). VCF-style: chr1-229432294-G-A. GRCh37 (hg19) VCF-style: chr1-229568041-G-A.
Other names: short protein forms R198C.
Identifiers: ClinVar variation 948691 (VCV000948691.10), dbSNP rs1659962016, ClinGen allele CA345147910.
Genomic context (GRCh38, chr1:229,432,294, plus strand): 5'-CGGCCCTCCCGCCCGGGGTGCAGGGGCGCCGCGCACCTGTGGTCACGAAGGAGTAGCCAC[G>A]CTCAGTGAGGATCTTCATCAGGTAGTCGGTGAGATCGCGGCCCGCCAGGTCCAGGCGCAT-3'
Protein context (NP_001091.1, residues 188-208): TDYLMKILTE[Arg198Cys]GYSFVTTAER

ClinVar aggregate classification (germline): Likely pathogenic (1 of 4 stars; one submission).

Conditions:
Actin accumulation myopathy (CMYO2A). Also called: Myopathy, actin, congenital, with cores; Nemaline myopathy 3, with intranuclear rods; CONGENITAL MYOPATHY 2A, TYPICAL, AUTOSOMAL DOMINANT; Nemaline myopathy type 3; Myopathy, actin, congenital, with excess of thin myofilaments. Identifiers: Orphanet 98904, MedGen C3711389, MONDO:0008070, OMIM 161800.

Submission:

Labcorp Genetics (formerly Invitae), Labcorp
Classification: Likely pathogenic for Actin accumulation myopathy. Last evaluated: 2019-08-01. Review status: criteria provided, single submitter. Criteria: Invitae Variant Classification Sherloc (09022015). Collection method: clinical testing. Allele origin: germline.
Comment: In summary, the currently available evidence indicates that the variant is pathogenic, but additional data are needed to prove that conclusively. Therefore, this variant has been classified as Likely Pathogenic. This variant is not present in population databases (ExAC no frequency). This variant has been observed to be de novo in an individual affected with autosomal dominant nemaline myopathy (PMID: 19562689). Algorithms developed to predict the effect of missense changes on protein structure and function are either unavailable or do not agree on the potential impact of this missense change (SIFT: "Tolerated"; PolyPhen-2: "Probably Damaging"; Align-GVGD: "Class C25"). This variant disrupts the p.Arg198 amino acid residue in ACTA1. Other variant(s) that disrupt this residue (p.Arg198His, p.Arg198Leu, p.Arg198Ser) have been observed in individuals with ACTA1-related conditions (PMID: 19562689, 12921789), which suggests that this may be a clinically significant amino acid residue. This sequence change replaces arginine with cysteine at codon 198 of the ACTA1 protein (p.Arg198Cys). The arginine residue is highly conserved and there is a large physicochemical difference between arginine and cysteine.

Literature cited by the submitters: PubMed 19562689; PubMed 12921789.